The following is an entry in ClinVar:

ClinVar aggregate classification (germline): Uncertain significance (1 of 4 stars; one submission).

Conditions:
Inborn genetic diseases. Identifiers: MedGen C0950123, MeSH D030342.

Submission:

Ambry Genetics
Classification: Uncertain significance for Inborn genetic diseases. Last evaluated: 2025-06-13. Review status: criteria provided, single submitter. Criteria: Ambry Variant Classification Scheme 2023. Collection method: clinical testing. Allele origin: germline.
Comment: The p.A200E variant (also known as c.599C>A), located in coding exon 4 of the MECOM gene, results from a C to A substitution at nucleotide position 599. The alanine at codon 200 is replaced by glutamic acid, an amino acid with dissimilar properties. This amino acid position is conserved. In addition, the in silico prediction for this alteration is inconclusive. Based on the available evidence, the clinical significance of this variant remains unclear.

NM_004991.4(MECOM):c.599C>A (p.Ala200Glu)

Gene: MECOM (MDS1 and EVI1 complex locus; minus strand). Cytogenetic location: 3q26.2.
Variant type: single nucleotide variant.
Coding change: c.599C>A on transcript NM_004991.4 (MANE Select); coding-DNA position 599, C replaced by A.
Protein change: p.Ala200Glu; replaces alanine 200 with glutamic acid.
Molecular consequence: missense variant.
Genome position (GRCh38, 1-based): chr3:169,131,443, G>T on the plus strand (C>A on the coding strand, the complement: MECOM is on the minus strand). VCF-style: chr3-169131443-G-T. GRCh37 (hg19) VCF-style: chr3-168849231-G-T.
Other names: c.227C>A, p.Ala76Glu (NM_001105077.4); c.35C>A, p.Ala12Glu (NM_001105078.4, NM_001163999.2, NM_001164000.2 and 9 more transcripts); c.599C>A, p.Ala200Glu (NM_001366466.2, NM_001366473.2); short protein forms A200E, A12E, A76E.
Identifiers: ClinVar variation 4053347 (VCV004053347.1).